The following is an entry in ClinVar:

NM_000059.4(BRCA2):c.1242G>A (p.Leu414=)

Gene: BRCA2 (BRCA2 DNA repair associated; plus strand). Cytogenetic location: 13q13.1.
Variant type: single nucleotide variant.
Coding change: c.1242G>A on transcript NM_000059.4 (MANE Select); coding-DNA position 1242, G replaced by A.
Protein change: p.Leu414=; no amino-acid change (leucine 414 retained).
Molecular consequence: synonymous variant.
Genome position (GRCh38, 1-based): chr13:32,332,720, G>A. VCF-style: chr13-32332720-G-A. GRCh37 (hg19) VCF-style: chr13-32906857-G-A.
Identifiers: ClinVar variation 491201 (VCV000491201.16), dbSNP rs1555281791, ClinGen allele CA483436489.

ClinVar aggregate classification (germline): Likely benign. Review status: criteria provided, multiple submitters, no conflicts (2 of 4 stars). 4 submissions from 4 submitters: Likely benign (4). Last evaluated 2024-11-18.

Conditions:
Hereditary cancer-predisposing syndrome. Also called: Tumor predisposition; Neoplastic Syndromes, Hereditary; Hereditary Cancer Syndrome; Hereditary neoplastic syndrome. Identifiers: Orphanet 140162, MedGen C0027672, MeSH D009386, MONDO:0015356.
Hereditary breast ovarian cancer syndrome. Also called: Hereditary breast and ovarian cancer; Hereditary breast and ovarian cancer syndrome (HBOC); BRCA1- and BRCA2-Associated Hereditary Breast and Ovarian Cancer; Breast and ovarian cancer; Hereditary breast and ovarian cancer syndrome; Hereditary breast and/or ovarian cancer syndrome. Identifiers: Orphanet 145, MedGen C0677776, MeSH D061325, MONDO:0003582. Disease mechanism: loss of function.
Breast-ovarian cancer, familial, susceptibility to, 2 (BROVCA2). Also called: BRCA2 Hereditary Breast and Ovarian Cancer. Identifiers: Orphanet 145, MedGen C2675520, MONDO:0012933, OMIM 612555. Disease mechanism: loss of function.

Allele frequency attached by ClinVar (database versions not stated): gnomAD exomes below 0.00001; TOPMed below 0.00001.
gnomAD v4.1: 1 of 1,613,330 alleles (0.000062%); highest among the groups gnomAD compares: Non-Finnish European, 0.000085%; no homozygotes.

Submissions (4):

Labcorp Genetics (formerly Invitae), Labcorp
Classification: Likely benign for Hereditary breast ovarian cancer syndrome. Last evaluated: 2024-11-18. Review status: criteria provided, single submitter. Criteria: Invitae Variant Classification Sherloc (09022015). Collection method: clinical testing. Allele origin: germline.

All of Us Research Program, National Institutes of Health
Classification: Likely benign for Breast-ovarian cancer, familial, susceptibility to, 2. Last evaluated: 2023-07-10. Review status: criteria provided, single submitter. Criteria: ACMG Guidelines, 2015. Collection method: clinical testing. Allele origin: germline. Inheritance: Autosomal dominant inheritance. Observed: 1 variant allele, 1 heterozygote.
Comment: This study involves interpretation of variants in research participants for the purpose of population health screening. Participant phenotype was not available at the time of variant classification. Additional details can be found in publication PMID: 35346344, PMCID: PMC8962531

Ambry Genetics
Classification: Likely benign for Hereditary cancer-predisposing syndrome. Last evaluated: 2019-05-06. Review status: criteria provided, single submitter. Criteria: Ambry Variant Classification Scheme 2023. Collection method: clinical testing. Allele origin: germline.

Color Diagnostics, LLC DBA Color Health
Classification: Likely benign for Hereditary cancer-predisposing syndrome. Last evaluated: 2015-11-03. Review status: criteria provided, single submitter. Criteria: ACMG Guidelines, 2015. Collection method: clinical testing. Allele origin: germline.